The following is an entry in ClinVar:

NM_000059.4(BRCA2):c.6196G>C (p.Val2066Leu)

Gene: BRCA2 (BRCA2 DNA repair associated; plus strand). Cytogenetic location: 13q13.1.
Variant type: single nucleotide variant.
Coding change: c.6196G>C on transcript NM_000059.4 (MANE Select); coding-DNA position 6196, G replaced by C.
Protein change: p.Val2066Leu; replaces valine 2066 with leucine.
Molecular consequence: missense variant. On other transcripts: non-coding transcript variant (1), intron variant (2).
Genome position (GRCh38, 1-based): chr13:32,340,551, G>C. VCF-style: chr13-32340551-G-C. GRCh37 (hg19) VCF-style: chr13-32914688-G-C.
Other names: c.6196G>C, p.Val2066Leu (NM_001406719.1, NM_001406720.1); c.1910-4007G>C (NM_001406721.1); c.425-4007G>C (NM_001406722.1); short protein forms V2066L.
Identifiers: ClinVar variation 2763378 (VCV002763378.3), dbSNP rs397507365, ClinGen allele CA387788826.

ClinVar aggregate classification (germline): Uncertain significance (1 of 4 stars; one submission).

Conditions:
Hereditary breast ovarian cancer syndrome. Also called: Hereditary breast and ovarian cancer syndrome; Hereditary breast and/or ovarian cancer syndrome; BRCA1- and BRCA2-Associated Hereditary Breast and Ovarian Cancer; Hereditary breast and ovarian cancer; Breast and ovarian cancer; Hereditary breast and ovarian cancer syndrome (HBOC). Identifiers: Orphanet 145, MedGen C0677776, MeSH D061325, MONDO:0003582. Disease mechanism: loss of function.

Submission:

Labcorp Genetics (formerly Invitae), Labcorp
Classification: Uncertain significance for Hereditary breast ovarian cancer syndrome. Last evaluated: 2024-01-07. Review status: criteria provided, single submitter. Criteria: Invitae Variant Classification Sherloc (09022015). Collection method: clinical testing. Allele origin: germline.
Comment: This sequence change replaces valine, which is neutral and non-polar, with leucine, which is neutral and non-polar, at codon 2066 of the BRCA2 protein (p.Val2066Leu). This variant is not present in population databases (gnomAD no frequency). This variant has not been reported in the literature in individuals affected with BRCA2-related conditions. Advanced modeling of protein sequence and biophysical properties (such as structural, functional, and spatial information, amino acid conservation, physicochemical variation, residue mobility, and thermodynamic stability) performed at Invitae indicates that this missense variant is not expected to disrupt BRCA2 protein function with a negative predictive value of 95%. In summary, the available evidence is currently insufficient to determine the role of this variant in disease. Therefore, it has been classified as a Variant of Uncertain Significance.